The following is an entry in ClinVar:

NM_016363.5(GP6):c.307C>G (p.Leu103Val)

Gene: GP6 (glycoprotein VI platelet; minus strand). Cytogenetic location: 19q13.42.
Variant type: single nucleotide variant.
Coding change: c.307C>G on transcript NM_016363.5 (MANE Select); coding-DNA position 307, C replaced by G.
Protein change: p.Leu103Val; replaces leucine 103 with valine.
Molecular consequence: missense variant.
Genome position (GRCh38, 1-based): chr19:55,032,157, G>C on the plus strand (C>G on the coding strand, the complement: GP6 is on the minus strand). VCF-style: chr19-55032157-G-C. GRCh37 (hg19) VCF-style: chr19-55543525-G-C.
Other names: p.Leu103Val; c.307C>G, p.Leu103Val (NM_001083899.2, NM_001256017.2); short protein forms L103V.
Identifiers: ClinVar variation 777296 (VCV000777296.39), dbSNP rs28969501, ClinGen allele CA310134134.
Genomic context (GRCh38, chr19:55,032,157, plus strand): 5'-GGAGGACCACGCAGTCCCAGGCTCCGATCCCCCTTCCTTTACCCGTGGCAACGAGCTCCA[G>C]CTGGTCGCTGGGCAGGGACCAGAGGCTTCCGTTCTGGTAGGAGCAGCGGTAGCGTCCAGC-3'
Protein context (NP_057447.5, residues 93-113): GSLWSLPSDQ[Leu103Val]ELVATGVFAK

ClinVar aggregate classification (germline): Conflicting classifications of pathogenicity. Review status: criteria provided, conflicting classifications (1 of 4 stars). 7 submissions from 7 submitters: Uncertain significance (1); Likely benign (5). 1 of the submissions does not count toward it. Last evaluated 2026-08-01.

Conditions:
GP6-related disorder. Also called: GP6-related condition.

Allele frequency attached by ClinVar (database versions not stated): 1000 Genomes Project 30x 0.00109; 1000 Genomes Project 0.00120; gnomAD 0.00283 and 0.00286; ESP Exome Variant Server 0.00307; gnomAD exomes 0.00310; TOPMed 0.00314; ExAC 0.00317.
gnomAD v4.1: 6,603 of 1,613,966 alleles (0.41%); highest among the groups gnomAD compares: Non-Finnish European, 0.5%; 26 homozygotes.

Submissions (13):

CeGaT Center for Human Genetics Tuebingen
Classification: Likely benign. Last evaluated: 2026-08-01. Review status: criteria provided, single submitter. Criteria: CeGaT Center For Human Genetics Tuebingen Variant Classification Criteria Version 2. Collection method: clinical testing. Allele origin: germline. Affected: yes. Observed: 6 variant alleles.
Comment: GP6: PP3, BS2; GP6-AS1: BS2

Labcorp Genetics (formerly Invitae), Labcorp
Classification: Likely benign. Last evaluated: 2026-02-02. Review status: criteria provided, single submitter. Criteria: Invitae Variant Classification Sherloc (09022015). Collection method: clinical testing. Allele origin: germline.

Mayo Clinic Laboratories, Mayo Clinic
Classification: Likely benign. Last evaluated: 2024-11-01. Review status: criteria provided, single submitter. Criteria: ACMG Guidelines, 2015. Collection method: clinical testing. Allele origin: germline. Observed: 6 variant alleles.
Comment: BS1, BS2, PP3, PM1_supporting, PS3_supporting

Women's Health and Genetics/Laboratory Corporation of America, LabCorp
Classification: Likely benign. Last evaluated: 2024-07-12. Review status: criteria provided, single submitter. Criteria: LabCorp Variant Classification Summary - May 2015. Collection method: clinical testing. Allele origin: germline.
Comment: Variant summary: GP6 c.307C>G (p.Leu103Val) results in a conservative amino acid change in the encoded protein sequence. Three of five in-silico tools predict a benign effect of the variant on protein function. The variant allele was found at a frequency of 0.0041 in 1607026 control chromosomes, predominantly at a frequency of 0.005 within the Non-Finnish European subpopulation in the gnomAD database, including 19 homozygotes (gnomAD v4.1). The observed variant frequency within Non-Finnish European control individuals in the gnomAD database exceeds the estimated maximal expected allele frequency for a pathogenic variant in GP6 causing Platelet-Type Bleeding Disorder 11 phenotype. To our knowledge, no occurrence of c.307C>G in individuals affected with Platelet-Type Bleeding Disorder 11 has been reported. One publication reported experimental evidence evaluating an impact on protein function, demonstrating somewhat decreased binding to collagen-derived peptides in an in vitro assay (Watkins_2006), however these results do not allow convincing conclusions about the variant effect in vivo. The following publication has been ascertained in the context of this evaluation (PMID: 16706959). ClinVar contains an entry for this variant (Variation ID: 777296). Based on the evidence outlined above, the variant was classified as likely benign.

GeneDx
Classification: Uncertain significance. Last evaluated: 2023-06-23. Review status: criteria provided, single submitter. Criteria: GeneDx Variant Classification Process June 2021. Collection method: clinical testing. Allele origin: germline. Affected: yes.
Comment: In silico analysis supports that this missense variant has a deleterious effect on protein structure/function; In silico analysis supports a deleterious effect on splicing; Has not been previously published as pathogenic or benign to our knowledge; This variant is associated with the following publications: (PMID: 16706959)

Breakthrough Genomics
Classification: Likely benign. Review status: criteria provided, single submitter. Criteria: ACMG Guidelines, 2015. Collection method: not provided. Allele origin: germline. Inheritance: Autosomal recessive inheritance. Affected: yes.

PreventionGenetics, part of Exact Sciences
Classification: Likely benign for GP6-related condition. Last evaluated: 2022-02-25. Review status: no assertion criteria provided. Collection method: clinical testing. Allele origin: germline. Not counted in ClinVar's aggregate classification.
Comment: This variant is classified as likely benign based on ACMG/AMP sequence variant interpretation guidelines (Richards et al. 2015 PMID: 25741868, with internal and published modifications).

Dr. Peter K. Rogan Lab, Western University
No classification provided (evidence only). Condition: Malignant tumor of urinary bladder. Review status: no classification provided. Collection method: in vitro. Allele origin: not applicable. Functional consequence: retained intron. Not counted in ClinVar's aggregate classification.

Dr. Peter K. Rogan Lab, Western University
No classification provided (evidence only). Condition: Lung cancer. Review status: no classification provided. Collection method: in vitro. Allele origin: not applicable. Functional consequence: retained intron. Not counted in ClinVar's aggregate classification.

Dr. Peter K. Rogan Lab, Western University
No classification provided (evidence only). Condition: Thyroid cancer, nonmedullary, 1. Review status: no classification provided. Collection method: in vitro. Allele origin: not applicable. Functional consequence: retained intron. Not counted in ClinVar's aggregate classification.

Dr. Peter K. Rogan Lab, Western University
No classification provided (evidence only). Condition: Thyroid cancer, nonmedullary, 1. Review status: no classification provided. Collection method: in vitro. Allele origin: not applicable. Functional consequence: retained intron. Not counted in ClinVar's aggregate classification.

Dr. Peter K. Rogan Lab, Western University
No classification provided (evidence only). Condition: Thyroid cancer, nonmedullary, 1. Review status: no classification provided. Collection method: in vitro. Allele origin: not applicable. Functional consequence: retained intron. Not counted in ClinVar's aggregate classification.

Dr. Peter K. Rogan Lab, Western University
No classification provided (evidence only). Condition: Gastric cancer. Review status: no classification provided. Collection method: in vitro. Allele origin: not applicable. Functional consequence: retained intron. Not counted in ClinVar's aggregate classification.

Literature cited by the submitters: PubMed 16706958 (cited by Mayo Clinic Laboratories, Mayo Clinic); PubMed 16706959 (cited by Mayo Clinic Laboratories, Mayo Clinic and Women's Health and Genetics/Laboratory Corporation of America, LabCorp).